The following is an entry in ClinVar:

ClinVar aggregate classification (germline): Uncertain significance (1 of 4 stars; one submission).

Allele frequency attached by ClinVar (database versions not stated): gnomAD exomes below 0.00001.
gnomAD v4.1: 1 of 1,614,156 alleles (0.000062%); highest among the groups gnomAD compares: Non-Finnish European, 0.000085%; no homozygotes.

Submission:

Labcorp Genetics (formerly Invitae), Labcorp
Classification: Uncertain significance. Last evaluated: 2022-08-19. Review status: criteria provided, single submitter. Criteria: Invitae Variant Classification Sherloc (09022015). Collection method: clinical testing. Allele origin: germline.
Comment: In summary, the available evidence is currently insufficient to determine the role of this variant in disease. Therefore, it has been classified as a Variant of Uncertain Significance. Algorithms developed to predict the effect of missense changes on protein structure and function are either unavailable or do not agree on the potential impact of this missense change (SIFT: "Deleterious"; PolyPhen-2: "Benign"; Align-GVGD: "Class C0"). This variant has not been reported in the literature in individuals affected with BCL11B-related conditions. This variant is not present in population databases (gnomAD no frequency). This sequence change replaces arginine, which is basic and polar, with serine, which is neutral and polar, at codon 107 of the BCL11B protein (p.Arg107Ser).

NM_138576.4(BCL11B):c.321G>C (p.Arg107Ser)

Gene: BCL11B (BCL11 transcription factor B; minus strand). Cytogenetic location: 14q32.2.
Variant type: single nucleotide variant.
Coding change: c.321G>C on transcript NM_138576.4 (MANE Select); coding-DNA position 321, G replaced by C.
Protein change: p.Arg107Ser; replaces arginine 107 with serine.
Molecular consequence: missense variant.
Genome position (GRCh38, 1-based): chr14:99,257,577, C>G on the plus strand (G>C on the coding strand, the complement: BCL11B is on the minus strand). VCF-style: chr14-99257577-C-G. GRCh37 (hg19) VCF-style: chr14-99723914-C-G.
Other names: c.318G>C, p.Arg106Ser (NM_001282237.2, NM_001282238.2); c.321G>C, p.Arg107Ser (NM_022898.3); short protein forms R106S, R107S.
Identifiers: ClinVar variation 1716714 (VCV001716714.5), dbSNP rs2503926629, ClinGen allele CA390938949.
Genomic context (GRCh38, chr14:99,257,577, plus strand): 5'-CAGGTGGTCATCTTCGTCGGGGGTGACTTGGATCCCGATCTCCACCGGCTCGGACACTTT[C>G]CTGAGCTCGGAGCGTGAGGAGGGTGGCGGGCTGTCCTTGTCCAGGGCCTTGTCATAGCAG-3'
Protein context (NP_612808.1, residues 97-117): SPPPSSRSEL[Arg107Ser]KVSEPVEIGI